The following is an entry in ClinVar:

ClinVar aggregate classification (germline): Benign (1 of 4 stars; one submission).

Conditions:
Vesicoureteral reflux 2 (VUR2). Identifiers: Orphanet 289365, MedGen C1970483, MONDO:0012573, OMIM 610878.

Allele frequency attached by ClinVar (database versions not stated): 1000 Genomes Project 0.00060; 1000 Genomes Project 30x 0.00078; TOPMed 0.00134; gnomAD 0.00141 and 0.00145.

Submission:

Illumina Laboratory Services, Illumina
Classification: Benign for Vesicoureteral reflux 2. Last evaluated: 2018-01-12. Review status: criteria provided, single submitter. Criteria: ICSL Variant Classification Criteria 13 December 2019. Collection method: clinical testing. Allele origin: germline.
Comment: This variant was observed in the ICSL laboratory as part of a predisposition screen in an ostensibly healthy population. It had not been previously curated by ICSL or reported in the Human Gene Mutation Database (HGMD: prior to June 1st, 2018), and was therefore a candidate for classification through an automated scoring system. Utilizing variant allele frequency, disease prevalence and penetrance estimates, and inheritance mode, an automated score was calculated to assess if this variant is too frequent to cause the disease. Based on the score and internal cut-off values, a variant classified as benign is not then subjected to further curation. The score for this variant resulted in a classification of benign for this disease.

NM_001395656.1(ROBO2):c.*3873C>T

Gene: ROBO2 (roundabout guidance receptor 2; plus strand). Cytogenetic location: 3p12.3.
Variant type: single nucleotide variant.
Coding change: c.*3873C>T on transcript NM_001395656.1 (MANE Select); 3873 bases downstream of the stop codon, C replaced by T.
Molecular consequence: 3 prime UTR variant.
Genome position (GRCh38, 1-based): chr3:77,649,928, C>T. VCF-style: chr3-77649928-C-T. GRCh37 (hg19) VCF-style: chr3-77699079-C-T.
Other names: c.*3873C>T (NM_001128929.3, NM_001290039.2, NM_001290040.2 and 14 more transcripts); c.*3870C>T (NM_001378194.1, NM_001378196.1, NM_001378199.1 and 3 more transcripts).
Identifiers: ClinVar variation 346772 (VCV000346772.6), dbSNP rs538922713, ClinGen allele CA10617505.